The following is an entry in ClinVar:

ClinVar aggregate classification (germline): Conflicting classifications of pathogenicity. Review status: criteria provided, conflicting classifications (1 of 4 stars). 5 submissions from 5 submitters: Uncertain significance (2); Benign (1); Likely benign (2). Last evaluated 2024-09-18.

Conditions:
Oligodontia-cancer predisposition syndrome. Also called: TOOTH AGENESIS-COLORECTAL CANCER SYNDROME. Identifiers: Orphanet 300576, MedGen C1837750, MONDO:0012075, OMIM 608615. Disease mechanism: loss of function.
Hereditary cancer-predisposing syndrome. Also called: Neoplastic Syndromes, Hereditary; Hereditary Cancer Syndrome; Hereditary neoplastic syndrome; Tumor predisposition. Identifiers: Orphanet 140162, MedGen C0027672, MeSH D009386, MONDO:0015356.

Allele frequency attached by ClinVar (database versions not stated): gnomAD exomes below 0.00001 and 0.00001; gnomAD 0.00001; TOPMed 0.00002.

Submissions (5):

Labcorp Genetics (formerly Invitae), Labcorp
Classification: Likely benign for Oligodontia-cancer predisposition syndrome. Last evaluated: 2024-09-18. Review status: criteria provided, single submitter. Criteria: Invitae Variant Classification Sherloc (09022015). Collection method: clinical testing. Allele origin: germline.

Myriad Genetics, Inc.
Classification: Benign for Oligodontia-cancer predisposition syndrome. Last evaluated: 2024-06-25. Review status: criteria provided, single submitter. Criteria: Myriad Autosomal Dominant, Autosomal Recessive and X-Linked Classification Criteria (2023). Collection method: clinical testing. Allele origin: unknown.
Comment: This variant is considered benign. This variant is a silent/synonymous amino acid change and it is not expected to impact splicing.

GeneDx
Classification: Uncertain significance. Last evaluated: 2023-12-19. Review status: criteria provided, single submitter. Criteria: GeneDx Variant Classification Process June 2021. Collection method: clinical testing. Allele origin: germline. Affected: yes.
Comment: Not observed at significant frequency in large population cohorts (gnomAD); In silico analysis supports that this variant does not alter splicing; Has not been previously published as pathogenic or benign to our knowledge

Ambry Genetics
Classification: Likely benign for Hereditary cancer-predisposing syndrome. Last evaluated: 2022-09-17. Review status: criteria provided, single submitter. Criteria: Ambry Variant Classification Scheme 2023. Collection method: clinical testing. Allele origin: germline.

Sema4
Classification: Uncertain significance for Hereditary cancer-predisposing syndrome. Last evaluated: 2021-12-13. Review status: criteria provided, single submitter. Criteria: Sema4 Curation Guidelines. Collection method: curation. Allele origin: germline.
Comment: The AXIN2 c.21G>A (p.V7=) variant has not been reported in the literature to our knowledge. It was observed in 1/112142 chromosomes of the Non-Finnish European subpopulation in the large and broad cohorts of the Genome Aggregation Database (PMID: 32461654). This variant has been not been reported in ClinVar. The variant is moderately conserved and in silico tools that predict the effect of sequence changes on splicing suggest that this variant may not impact splicing, though these predictions have not been confirmed by functional studies. The evidence is insufficient to meet ACMG/AMP criteria for classifying the variant as benign or pathogenic. Thus, the clinical significance of this variant is currently uncertain.

NM_004655.4(AXIN2):c.21G>A (p.Val7=)

Gene: AXIN2 (axin 2; minus strand). Cytogenetic location: 17q24.1.
Variant type: single nucleotide variant.
Coding change: c.21G>A on transcript NM_004655.4 (MANE Select); coding-DNA position 21, G replaced by A.
Protein change: p.Val7=; no amino-acid change (valine 7 retained).
Molecular consequence: synonymous variant.
Genome position (GRCh38, 1-based): chr17:65,558,600, C>T on the plus strand (G>A on the coding strand, the complement: AXIN2 is on the minus strand). VCF-style: chr17-65558600-C-T. GRCh37 (hg19) VCF-style: chr17-63554718-C-T.
Other names: c.21G>A, p.Val7= (NM_001363813.1).
Identifiers: ClinVar variation 1420024 (VCV001420024.13), dbSNP rs1467193033, ClinGen allele CA501691754.
Genomic context (GRCh38, chr17:65,558,600, plus strand): 5'-TGGCACTGGGGGCCGCGGGGCATCCTCACGGAAGCTGCTGCTGGGGTCCGGGAGGCAAGT[C>T]ACCAACATAGCGCTACTCATGGTGAGGGAGCTCTTCCCACTGAGTCTGGGAATTTTTCTT-3'
Protein context (NP_004646.3, residues 1-17): MSSAML[Val7=]TCLPDPSSSF